The following is an entry in ClinVar:

NM_170606.3(KMT2C):c.10061C>T (p.Pro3354Leu)

Gene: KMT2C (lysine methyltransferase 2C; minus strand). Cytogenetic location: 7q36.1.
Variant type: single nucleotide variant.
Coding change: c.10061C>T on transcript NM_170606.3 (MANE Select); coding-DNA position 10061, C replaced by T.
Protein change: p.Pro3354Leu; replaces proline 3354 with leucine.
Molecular consequence: missense variant.
Genome position (GRCh38, 1-based): chr7:152,163,516, G>A on the plus strand (C>T on the coding strand, the complement: KMT2C is on the minus strand). VCF-style: chr7-152163516-G-A. GRCh37 (hg19) VCF-style: chr7-151860601-G-A.
Other names: short protein forms P3354L.
Identifiers: ClinVar variation 2658203 (VCV002658203.25), dbSNP rs2129104533, ClinGen allele CA370104959.

ClinVar aggregate classification (germline): Uncertain significance. Review status: criteria provided, single submitter (1 of 4 stars). 2 submissions from 2 submitters: Uncertain significance (1). 1 of the submissions does not count toward it. Last evaluated 2022-11-01.

Conditions:
Kleefstra syndrome 2 (KLEFS2). Identifiers: MedGen C4540395, MONDO:0054701, OMIM 617768.

Allele frequency attached by ClinVar (database versions not stated): gnomAD exomes below 0.00001.
gnomAD v4.1: 1 of 1,613,438 alleles (0.000062%); highest among the groups gnomAD compares: South Asian, 0.0011%; no homozygotes.

Submissions (2):

CeGaT Center for Human Genetics Tuebingen
Classification: Uncertain significance. Last evaluated: 2022-11-01. Review status: criteria provided, single submitter. Criteria: CeGaT Center For Human Genetics Tuebingen Variant Classification Criteria Version 2. Collection method: clinical testing. Allele origin: germline. Affected: yes. Observed: 1 variant allele.
Comment: KMT2C: PM2

Hong-Tao Li Lab, Institute of Brain Science and Brain-inspired Research, Shandong First Medical University & Shandong Academy of Medical Sciences China
Classification: Uncertain significance for Kleefstra syndrome 2. Review status: no assertion criteria provided. Collection method: research. Allele origin: germline. Inheritance: Autosomal dominant inheritance. Affected: yes. Observed: 1 variant allele, 1 heterozygote. Not counted in ClinVar's aggregate classification.
Comment: Observed in affected individuals from a Pakistani neurodevelopmental-disorder research cohort of 263 individuals. Classification assigned using the ACMG/AMP framework. Population-frequency evidence: gnomAD AF 6.198e-07.